The following is an entry in ClinVar:

ClinVar aggregate classification (germline): Conflicting classifications of pathogenicity. Review status: criteria provided, conflicting classifications (1 of 4 stars). 5 submissions from 5 submitters: Uncertain significance (4); Likely benign (1). Last evaluated 2025-09-04.

Conditions:
Nephrolithiasis/nephrocalcinosis. Identifiers: MedGen CN580796.
Familial hypocalciuric hypercalcemia (FHH). Also called: Familial benign hypercalcemia. Identifiers: Orphanet 405, MedGen C1809471, MONDO:0018458.
Autosomal dominant hypocalcemia 1 (HYPOC1). Also called: HYPOCALCEMIA, FAMILIAL. Identifiers: MedGen C3715128, MONDO:0011013, OMIM 601198.
Familial hypocalciuric hypercalcemia 1. Also called: Hypercalcemia, familial benign type 1. Identifiers: Orphanet 405, Orphanet 93372, MedGen C0342637, MONDO:0007791, OMIM 145980.
Epilepsy, idiopathic generalized, susceptibility to, 8. Identifiers: MedGen C2752062, MONDO:0013032, OMIM 612899.
Neonatal severe primary hyperparathyroidism. Identifiers: Orphanet 417, MedGen C1832615, MONDO:0009397, OMIM 239200.

Allele frequency attached by ClinVar (database versions not stated): TOPMed 0.00001; ExAC 0.00002.
gnomAD v4.1: 4 of 1,614,190 alleles (0.00025%); highest among the groups gnomAD compares: Admixed American, 0.0067%; no homozygotes.

Submissions (5):

Labcorp Genetics (formerly Invitae), Labcorp
Classification: Uncertain significance for Familial hypocalciuric hypercalcemia; Autosomal dominant hypocalcemia 1. Last evaluated: 2025-09-04. Review status: criteria provided, single submitter. Criteria: Invitae Variant Classification Sherloc (09022015). Collection method: clinical testing. Allele origin: germline.
Comment: This sequence change replaces serine, which is neutral and polar, with tryptophan, which is neutral and slightly polar, at codon 388 of the CASR protein (p.Ser388Trp). This variant is present in population databases (rs377282860, gnomAD 0.01%). This variant has not been reported in the literature in individuals affected with CASR-related conditions. ClinVar contains an entry for this variant (Variation ID: 501208). An algorithm developed to predict the effect of missense changes on protein structure and function (PolyPhen-2) suggests that this variant is likely to be disruptive. In summary, the available evidence is currently insufficient to determine the role of this variant in disease. Therefore, it has been classified as a Variant of Uncertain Significance.

Ambry Genetics
Classification: Likely benign for Nephrolithiasis/nephrocalcinosis. Last evaluated: 2024-03-21. Review status: criteria provided, single submitter. Criteria: Ambry Variant Classification Scheme 2023. Collection method: clinical testing. Allele origin: germline.

Fulgent Genetics
Classification: Uncertain significance for Familial hypocalciuric hypercalcemia 1; Neonatal severe primary hyperparathyroidism; Autosomal dominant hypocalcemia 1; Epilepsy, idiopathic generalized, susceptibility to, 8. Last evaluated: 2022-04-16. Review status: criteria provided, single submitter. Criteria: ACMG Guidelines, 2015. Collection method: clinical testing. Allele origin: unknown.

GeneDx
Classification: Uncertain significance. Last evaluated: 2020-02-13. Review status: criteria provided, single submitter. Criteria: GeneDx Variant Classification Process June 2021. Collection method: clinical testing. Allele origin: germline. Affected: yes.
Comment: In silico analysis supports that this missense variant does not alter protein structure/function; Has not been previously published as pathogenic or benign to our knowledge

Eurofins Ntd Llc (ga)
Classification: Uncertain significance. Last evaluated: 2017-04-18. Review status: criteria provided, single submitter. Criteria: EGL Classification Definitions 2015. Collection method: clinical testing. Allele origin: germline. Observed: 1 variant allele, 1 heterozygote.

NM_000388.4(CASR):c.1163C>G (p.Ser388Trp)

Gene: CASR (calcium sensing receptor; plus strand). Cytogenetic location: 3q21.1.
Variant type: single nucleotide variant.
Coding change: c.1163C>G on transcript NM_000388.4 (MANE Select); coding-DNA position 1163, C replaced by G.
Protein change: p.Ser388Trp; replaces serine 388 with tryptophan.
Molecular consequence: missense variant.
Genome position (GRCh38, 1-based): chr3:122,262,198, C>G. VCF-style: chr3-122262198-C-G. GRCh37 (hg19) VCF-style: chr3-121981045-C-G.
Other names: c.1163C>G, p.Ser388Trp (NM_001178065.2); short protein forms S388W.
Identifiers: ClinVar variation 501208 (VCV000501208.19), dbSNP rs377282860, ClinGen allele CA2569604.